The following is an entry in ClinVar:

ClinVar aggregate classification (germline): Uncertain significance. Review status: criteria provided, multiple submitters, no conflicts (2 of 4 stars). 4 submissions from 3 submitters: Uncertain significance (4). Last evaluated 2023-11-19.

Conditions:
Hereditary cancer-predisposing syndrome. Also called: Tumor predisposition; Hereditary Cancer Syndrome; Hereditary neoplastic syndrome; Neoplastic Syndromes, Hereditary. Identifiers: Orphanet 140162, MedGen C0027672, MeSH D009386, MONDO:0015356.
Cardiovascular phenotype. Identifiers: MedGen CN230736.
Neurofibromatosis, type 1 (NF1). Also called: VON RECKLINGHAUSEN DISEASE; NEUROFIBROMATOSIS, TYPE I, SOMATIC; Peripheral type neurofibromatosis; Neurofibromatosis, type I. Identifiers: Orphanet 636, MedGen C0027831, MONDO:0018975, OMIM 162200. Disease mechanism: loss of function.

Allele frequency attached by ClinVar (database versions not stated): TOPMed below 0.00001; gnomAD 0.00001.
gnomAD v4.1: 1 of 1,613,308 alleles (0.000062%); highest among the groups gnomAD compares: African/African-American, 0.0013%; no homozygotes.

Submissions (4):

Labcorp Genetics (formerly Invitae), Labcorp
Classification: Uncertain significance for Neurofibromatosis, type 1. Last evaluated: 2023-11-19. Review status: criteria provided, single submitter. Criteria: Invitae Variant Classification Sherloc (09022015). Collection method: clinical testing. Allele origin: germline.
Comment: This sequence change replaces isoleucine, which is neutral and non-polar, with threonine, which is neutral and polar, at codon 1688 of the NF1 protein (p.Ile1688Thr). This variant is not present in population databases (gnomAD no frequency). This variant has not been reported in the literature in individuals affected with NF1-related conditions. ClinVar contains an entry for this variant (Variation ID: 233296). Advanced modeling of protein sequence and biophysical properties (such as structural, functional, and spatial information, amino acid conservation, physicochemical variation, residue mobility, and thermodynamic stability) performed at Invitae indicates that this missense variant is expected to disrupt NF1 protein function with a positive predictive value of 95%. Algorithms developed to predict the effect of sequence changes on RNA splicing suggest that this variant may create or strengthen a splice site. In summary, the available evidence is currently insufficient to determine the role of this variant in disease. Therefore, it has been classified as a Variant of Uncertain Significance.

Genome-Nilou Lab
Classification: Uncertain significance for Neurofibromatosis, type 1. Last evaluated: 2022-03-15. Review status: criteria provided, single submitter. Criteria: ACMG Guidelines, 2015. Collection method: clinical testing. Allele origin: germline. Affected: no.

Ambry Genetics
Classification: Uncertain significance for Cardiovascular phenotype; Hereditary cancer-predisposing syndrome. Last evaluated: 2021-11-18. Review status: criteria provided, single submitter. Criteria: Ambry Variant Classification Scheme 2023. Collection method: clinical testing. Allele origin: germline.

Ambry Genetics
Classification: Uncertain significance for Hereditary cancer-predisposing syndrome. Last evaluated: 2015-08-07. Review status: criteria provided, single submitter. Criteria: Ambry Autosomal Dominant and X-Linked criteria (10/2015). Collection method: clinical testing. Allele origin: germline. Observed: 1 variant allele.
Comment: The p.I1709T variant (also known as c.5126T>C), located in coding exon 37 of the NF1 gene, results from a T to C substitution at nucleotide position 5126. The isoleucine at codon 1709 is replaced by threonine, an amino acid with similar properties. This variant was not reported in population based cohorts in the following databases: Database of Single Nucleotide Polymorphisms (dbSNP), NHLBI Exome Sequencing Project (ESP), and 1000 Genomes Project. In the ESP, this variant was not observed in 6503 samples (13006 alleles) with coverage at this position. To date, this alteration has been detected with an allele frequency of approximately 0.002% (greater than 55000alleles tested) in our clinical cohort.This amino acid position is highly conserved in available vertebrate species. In addition, this alteration is predicted to be deleterious by in silico analysis.Since supporting evidence is limited at this time, the clinical significance of p.I1709Tremains unclear.

NM_001042492.3(NF1):c.5126T>C (p.Ile1709Thr)

Gene: NF1 (neurofibromin 1; plus strand). Cytogenetic location: 17q11.2.
Variant type: single nucleotide variant.
Coding change: c.5126T>C on transcript NM_001042492.3 (MANE Select); coding-DNA position 5126, T replaced by C.
Protein change: p.Ile1709Thr; replaces isoleucine 1709 with threonine.
Molecular consequence: missense variant.
Genome position (GRCh38, 1-based): chr17:31,326,110, T>C. VCF-style: chr17-31326110-T-C. GRCh37 (hg19) VCF-style: chr17-29653128-T-C.
Other names: c.5063T>C, p.Ile1688Thr (NM_000267.4); short protein forms I1688T, I1709T.
Identifiers: ClinVar variation 233296 (VCV000233296.13), dbSNP rs876660316, ClinGen allele CA10580339.
Genomic context (GRCh38, chr17:31,326,110, plus strand): 5'-ACACCAAGTATCATGAGCGGCTGCTGACTGGCCTCAAAGGTAGCAAAAGGCTTGTTTTCA[T>C]AGACTGTCCTGGGAAACTGGCTGAGCACATAGAGCATGAACAACAGAAACTACCTGCTGC-3'
Protein context (NP_001035957.1, residues 1699-1719): GLKGSKRLVF[Ile1709Thr]DCPGKLAEHI